The following is an entry in ClinVar:

ClinVar aggregate classification (germline): Uncertain significance (1 of 4 stars; one submission).

Submission:

GeneDx
Classification: Uncertain significance. Last evaluated: 2022-01-07. Review status: criteria provided, single submitter. Criteria: GeneDx Variant Classification Process June 2021. Collection method: clinical testing. Allele origin: germline. Affected: yes.
Comment: Not observed at significant frequency in large population cohorts (gnomAD); In silico analysis supports that this missense variant has a deleterious effect on protein structure/function; Has not been previously published as pathogenic or benign to our knowledge

NM_018026.4(PACS1):c.2272G>A (p.Glu758Lys)

Gene: PACS1 (phosphofurin acidic cluster sorting protein 1; plus strand). Cytogenetic location: 11q13.2.
Variant type: single nucleotide variant.
Coding change: c.2272G>A on transcript NM_018026.4 (MANE Select); coding-DNA position 2272, G replaced by A.
Protein change: p.Glu758Lys; replaces glutamic acid 758 with lysine.
Molecular consequence: missense variant.
Genome position (GRCh38, 1-based): chr11:66,238,825, G>A. VCF-style: chr11-66238825-G-A. GRCh37 (hg19) VCF-style: chr11-66006296-G-A.
Other names: short protein forms E758K.
Identifiers: ClinVar variation 1695658 (VCV001695658.2), dbSNP rs2134748193, ClinGen allele CA381377707.